The following is an entry in ClinVar:

NM_004612.4(TGFBR1):c.1083del (p.Thr362fs)

Gene: TGFBR1 (transforming growth factor beta receptor 1; plus strand). Cytogenetic location: 9q22.33.
Variant type: Deletion.
Coding change: c.1083del on transcript NM_004612.4 (MANE Select); coding-DNA position 1083, one base deleted (C; older notation c.1083delC).
Protein change: p.Thr362fs; shifts the reading frame from threonine 362.
Molecular consequence: frameshift variant. On other transcripts: non-coding transcript variant (4).
Genome position (GRCh38, 1-based): chr9:99,144,841, C deleted; the last of 2 consecutive C bases (chr9:99,144,840-99,144,841); deleting either gives the same sequence. VCF-style (leftmost placement, unchanged base first): chr9-99144839-GC-G. GRCh37 (hg19) VCF-style: chr9-101907121-GC-G.
Other names: c.852del, p.Thr285fs (NM_001130916.3, NM_001407435.1); c.1095del, p.Thr366fs (NM_001306210.2); c.927del, p.Thr310fs (NM_001407416.1); c.915del, p.Thr306fs (NM_001407417.1); c.888del, p.Thr297fs (NM_001407418.1, NM_001407419.1, NM_001407420.1 and 1 more transcripts); c.876del, p.Thr293fs (NM_001407423.1, NM_001407424.1, NM_001407425.1 and 8 more transcripts); c.837del, p.Thr280fs (NM_001407436.1); c.375del, p.Thr126fs (NM_001407437.1); and 1 more; short protein forms T126fs, T203fs, T293fs, T285fs, T306fs, T362fs, T297fs, T366fs.
Identifiers: ClinVar variation 2704960 (VCV002704960.3), dbSNP rs2490237898, ClinGen allele CA2697557938.

ClinVar aggregate classification (germline): Pathogenic (1 of 4 stars; one submission).

Conditions:
Familial thoracic aortic aneurysm and aortic dissection (TAAD). Also called: Thoracic aortic aneurysms and dissections. Identifiers: Orphanet 91387, MedGen C4707243, MONDO:0019625.

Submission:

Labcorp Genetics (formerly Invitae), Labcorp
Classification: Pathogenic for Familial thoracic aortic aneurysm and aortic dissection. Last evaluated: 2025-02-12. Review status: criteria provided, single submitter. Criteria: Invitae Variant Classification Sherloc (09022015). Collection method: clinical testing. Allele origin: germline.
Comment: This sequence change creates a premature translational stop signal (p.Thr362Glnfs*27) in the TGFBR1 gene. It is expected to result in an absent or disrupted protein product. Loss-of-function variants in TGFBR1 are known to be pathogenic (PMID: 21358634). This variant is not present in population databases (gnomAD no frequency). This variant has not been reported in the literature in individuals affected with TGFBR1-related conditions. ClinVar contains an entry for this variant (Variation ID: 2704960). For these reasons, this variant has been classified as Pathogenic.

Literature cited by the submitters: PubMed 21358634.